The following is an entry in ClinVar:

NM_001267550.2(TTN):c.72716T>A (p.Met24239Lys)

Genes: TTN-AS1 (TTN antisense RNA 1; plus strand), TTN (titin; minus strand). Cytogenetic location: 2q31.2.
Variant type: single nucleotide variant.
Coding change: c.72716T>A on transcript NM_001267550.2 (MANE Select); coding-DNA position 72716, T replaced by A.
Protein change: p.Met24239Lys; replaces methionine 24239 with lysine.
Molecular consequence: missense variant.
Genome position (GRCh38, 1-based): chr2:178,573,416, A>T on the plus strand (T>A on the coding strand, the complement: TTN is on the minus strand). VCF-style: chr2-178573416-A-T. GRCh37 (hg19) VCF-style: chr2-179438143-A-T.
Other names: c.67793T>A, p.Met22598Lys (NM_001256850.1); c.45521T>A, p.Met15174Lys (NM_003319.4); c.65012T>A, p.Met21671Lys (NM_133378.4); c.45896T>A, p.Met15299Lys (NM_133432.3); c.46097T>A, p.Met15366Lys (NM_133437.4); short protein forms M24239K, M21671K, M15366K, M22598K, M15299K, M15174K.
Identifiers: ClinVar variation 596933 (VCV000596933.13), dbSNP rs750298083, ClinGen allele CA1990465.
Genomic context (GRCh38, chr2:178,573,416, plus strand): 5'-ACAATATAATTGATGATTTCACTTCCACCATCAGAATCAGGATGTCCCCAGCAGACAACC[A>T]TCGAATCTTTAGTAATAGTTGTCACTTCAGGGTTTTTGGGCGGATCAGGGGGTCCATAAG-3'
Protein context (NP_001254479.2, residues 24229-24249): PEVTTITKDS[Met24239Lys]VVCWGHPDSD

ClinVar aggregate classification (germline): Conflicting classifications of pathogenicity. Review status: criteria provided, conflicting classifications (1 of 4 stars). 5 submissions from 5 submitters: Uncertain significance (4); Likely benign (1). Last evaluated 2026-06-09.

Conditions:
TTN-related disorder. Also called: TTN-related condition; TTN-related disease; TTN-related disorders.

Allele frequency attached by ClinVar (database versions not stated): TOPMed 0.00006.
gnomAD v4.1: 146 of 1,519,826 alleles (0.0096%); highest among the groups gnomAD compares: Non-Finnish European, 0.012%; no homozygotes.

Submissions (5):

PreventionGenetics, part of Exact Sciences
Classification: Uncertain significance for TTN-related condition. Last evaluated: 2026-06-09. Review status: criteria provided, single submitter. Criteria: ACMG Guidelines, 2015. Collection method: clinical testing. Allele origin: germline.
Comment: The TTN c.72716T>A variant is predicted to result in the amino acid substitution p.Met24239Lys. This variant has been reported in at least one individual with dilated cardiomyopathy (described as p.Met21671Lys in Table S1, Campuzano et al. 2015. PubMed ID: 26516846; described as p.Met21671Lys, Martínez-Barrios et al. 2022. PubMed ID: 35207729). This variant is reported in 0.0089% of alleles in individuals of European (Non-Finnish) descent in gnomAD. Although we suspect that this variant may be benign, at this time, the clinical significance of this variant is uncertain due to the absence of conclusive functional and genetic evidence.

Women's Health and Genetics/Laboratory Corporation of America, LabCorp
Classification: Uncertain significance. Last evaluated: 2022-11-14. Review status: criteria provided, single submitter. Criteria: LabCorp Variant Classification Summary - May 2015. Collection method: clinical testing. Allele origin: germline.
Comment: Variant summary: TTN c.65012T>A (p.Met21671Lys) results in a non-conservative amino acid change located in the A-band region of the encoded protein sequence. Two of four in-silico tools predict a benign effect of the variant on protein function. The variant allele was found at a frequency of 4.5e-05 in 175928 control chromosomes. The available data on variant occurrences in the general population are insufficient to allow any conclusion about variant significance. c.65012T>A has been reported in the literature in at least one individual affected with Cardiomyopathy without strong evidence of causality (Campuzano_2015, Martinez-Barrios_2022). These reports do not provide unequivocal conclusions about association of the variant with Dilated Cardiomyopathy. To our knowledge, no experimental evidence demonstrating an impact on protein function has been reported. Two clinical diagnostic laboratories have submitted clinical-significance assessments for this variant to ClinVar after 2014 without evidence for independent evaluation. One laboratory classified the variant as likely benign, and one laboratory classified the variant as uncertain significance. Based on the evidence outlined above, the variant was classified as uncertain significance.

Revvity Omics, Revvity
Classification: Uncertain significance. Last evaluated: 2022-05-11. Review status: criteria provided, single submitter. Criteria: ACMG Guidelines, 2015. Collection method: clinical testing. Allele origin: germline.

GeneDx
Classification: Likely benign. Last evaluated: 2018-09-20. Review status: criteria provided, single submitter. Criteria: GeneDx Variant Classification Process June 2021. Collection method: clinical testing. Allele origin: germline. Affected: yes.

Eurofins Ntd Llc (ga)
Classification: Uncertain significance. Last evaluated: 2018-07-11. Review status: criteria provided, single submitter. Criteria: EGL ClinVar v180209 classification definitions. Collection method: clinical testing. Allele origin: germline. Observed: 2 variant alleles, 2 heterozygotes.

Literature cited by the submitters: PubMed 26516846 (cited by Women's Health and Genetics/Laboratory Corporation of America, LabCorp); PubMed 35207729 (cited by Women's Health and Genetics/Laboratory Corporation of America, LabCorp).